The following is an entry in ClinVar:

ClinVar aggregate classification (germline): Uncertain significance (1 of 4 stars; one submission).

Conditions:
Cardiovascular phenotype. Identifiers: MedGen CN230736.

Submission:

Ambry Genetics
Classification: Uncertain significance for Cardiovascular phenotype. Last evaluated: 2022-08-10. Review status: criteria provided, single submitter. Criteria: Ambry Variant Classification Scheme 2023. Collection method: clinical testing. Allele origin: germline.
Comment: The p.K428R variant (also known as c.1283A>G), located in coding exon 10 of the JAG1 gene, results from an A to G substitution at nucleotide position 1283. The lysine at codon 428 is replaced by arginine, an amino acid with highly similar properties. This amino acid position is conserved. In addition, this alteration is predicted to be tolerated by in silico analysis. Since supporting evidence is limited at this time, the clinical significance of this alteration remains unclear.

NM_000214.3(JAG1):c.1283A>G (p.Lys428Arg)

Gene: JAG1 (jagged canonical Notch ligand 1; minus strand). Cytogenetic location: 20p12.2.
Variant type: single nucleotide variant.
Coding change: c.1283A>G on transcript NM_000214.3 (MANE Select); coding-DNA position 1283, A replaced by G.
Protein change: p.Lys428Arg; replaces lysine 428 with arginine.
Molecular consequence: missense variant.
Genome position (GRCh38, 1-based): chr20:10,649,587, T>C on the plus strand (A>G on the coding strand, the complement: JAG1 is on the minus strand). VCF-style: chr20-10649587-T-C. GRCh37 (hg19) VCF-style: chr20-10630235-T-C.
Other names: short protein forms K428R.
Identifiers: ClinVar variation 1768404 (VCV001768404.2), dbSNP rs2514518373, ClinGen allele CA408238235.
Genomic context (GRCh38, chr20:10,649,587, plus strand): 5'-TCACAATTCTGACCCATCCAGCCGGGAAGACAGTCGCAGTAGTAGCTGGCAATGAGATTC[T>C]TACAGGATTTGGCGTTTACACAAGGTTTGGCCTCACATTCATTTGCATCTGAAAGGAGAT-3'
Protein context (NP_000205.1, residues 418-438): AKPCVNAKSC[Lys428Arg]NLIASYYCDC